The following is an entry in ClinVar:

NC_000017.11:g.38183579A>G

Genes: TBC1D3 (TBC1 domain family member 3; minus strand), TBC1D3L (TBC1 domain family member 3L; minus strand). Cytogenetic location: 17q12.
Variant type: single nucleotide variant.
Molecular consequence: synonymous variant (on NM_001123391.4).
Genome position: GRCh38 VCF-style: chr17-38183579-A-G. GRCh37 (hg19) VCF-style: chr17-36339631-A-G.
Other names: c.1026T>C, p.His342= (NM_001123391.4).
Identifiers: ClinVar variation 3898470 (VCV003898470.7).

ClinVar aggregate classification (germline): Likely benign (1 of 4 stars; one submission).

Submission:

CeGaT Center for Human Genetics Tuebingen
Classification: Likely benign. Last evaluated: 2025-04-01. Review status: criteria provided, single submitter. Criteria: CeGaT Center For Human Genetics Tuebingen Variant Classification Criteria Version 2. Collection method: clinical testing. Allele origin: germline. Affected: yes. Observed: 1 variant allele.
Comment: TBC1D3G: BP4, BP7; TBC1D3L: BP4, BP7